The following is an entry in ClinVar:

NM_003680.4(YARS1):c.298G>A (p.Val100Met)

Gene: YARS1 (tyrosyl-tRNA synthetase 1; minus strand). Cytogenetic location: 1p35.1.
Variant type: single nucleotide variant.
Coding change: c.298G>A on transcript NM_003680.4 (MANE Select); coding-DNA position 298, G replaced by A.
Protein change: p.Val100Met; replaces valine 100 with methionine.
Molecular consequence: missense variant.
Genome position (GRCh38, 1-based): chr1:32,810,673, C>T on the plus strand (G>A on the coding strand, the complement: YARS1 is on the minus strand). VCF-style: chr1-32810673-C-T. GRCh37 (hg19) VCF-style: chr1-33276274-C-T.
Other names: short protein forms V100M.
Identifiers: ClinVar variation 618497 (VCV000618497.16), dbSNP rs766704849, ClinGen allele CA745233.

ClinVar aggregate classification (germline): Uncertain significance. Review status: criteria provided, multiple submitters, no conflicts (2 of 4 stars). 2 submissions from 2 submitters: Uncertain significance (2). Last evaluated 2020-07-13.

Conditions:
Charcot-Marie-Tooth disease dominant intermediate C (CMTDIC). Also called: CHARCOT-MARIE-TOOTH NEUROPATHY, DOMINANT INTERMEDIATE C. Identifiers: Orphanet 100045, MedGen C1842237, MONDO:0012012, OMIM 608323.

Allele frequency attached by ClinVar (database versions not stated): gnomAD exomes below 0.00001 and 0.00001; ExAC 0.00002; TOPMed 0.00002; gnomAD 0.00003.
gnomAD v4.1: 8 of 1,614,002 alleles (0.0005%); highest among the groups gnomAD compares: African/African-American, 0.0027%; no homozygotes.

Submissions (2):

Labcorp Genetics (formerly Invitae), Labcorp
Classification: Uncertain significance for Charcot-Marie-Tooth disease dominant intermediate C. Last evaluated: 2020-07-13. Review status: criteria provided, single submitter. Criteria: Invitae Variant Classification Sherloc (09022015). Collection method: clinical testing. Allele origin: germline.
Comment: In summary, the available evidence is currently insufficient to determine the role of this variant in disease. Therefore, it has been classified as a Variant of Uncertain Significance. This sequence change replaces valine with methionine at codon 100 of the YARS protein (p.Val100Met). The valine residue is highly conserved and there is a small physicochemical difference between valine and methionine. This variant is present in population databases (rs766704849, ExAC 0.003%). This variant has not been reported in the literature in individuals with YARS-related conditions. ClinVar contains an entry for this variant (Variation ID: 618497). Algorithms developed to predict the effect of missense changes on protein structure and function output the following: SIFT: "Not Available"; PolyPhen-2: "Benign"; Align-GVGD: "Not Available". The methionine amino acid residue is found in multiple mammalian species, suggesting that this missense change does not adversely affect protein function. These predictions have not been confirmed by published functional studies and their clinical significance is uncertain.

ARUP Laboratories, Molecular Genetics and Genomics, ARUP Laboratories
Classification: Uncertain significance for Charcot-Marie-Tooth disease dominant intermediate C. Last evaluated: 2018-07-25. Review status: criteria provided, single submitter. Criteria: ARUP Molecular Germline Variant Investigation Process. Collection method: clinical testing. Allele origin: germline.
Comment: The p.Val100Met variant (rs766704849) has not been reported in the medical literature, gene specific variation databases, nor has it been previously identified by our laboratory. This variant is listed in the Genome Aggregation Database (gnomAD) with an overall population frequency of 0.001 percent (identified on 3 out of 277,194 chromosomes). The valine at position 100 is highly conserved up to worm considering 11 species (Alamut v2.10) and computational analyses of the effects of the p.Val100Met variant on protein structure and function provide conflicting results (SIFT: damaging, MutationTaster: disease causing, PolyPhen-2: benign). Altogether, there is not enough evidence to classify the p.Val100Met variant with certainty.